The following is an entry in ClinVar:

NM_000382.3(ALDH3A2):c.328G>A (p.Ala110Thr)

Gene: ALDH3A2 (aldehyde dehydrogenase 3 family member A2; plus strand). Cytogenetic location: 17p11.2.
Variant type: single nucleotide variant.
Coding change: c.328G>A on transcript NM_000382.3 (MANE Select); coding-DNA position 328, G replaced by A.
Protein change: p.Ala110Thr; replaces alanine 110 with threonine.
Molecular consequence: missense variant. On other transcripts: 5 prime UTR variant (1).
Genome position (GRCh38, 1-based): chr17:19,651,721, G>A. VCF-style: chr17-19651721-G-A. GRCh37 (hg19) VCF-style: chr17-19555034-G-A.
Other names: c.328G>A (NM_000382.2); c.328G>A, p.Ala110Thr (NM_001031806.2, NM_001369136.1, NM_001369137.2 and 3 more transcripts); c.-361G>A (NM_001369148.2); short protein forms A110T.
Identifiers: ClinVar variation 2203623 (VCV002203623.3), dbSNP rs144287421, ClinGen allele CA8442774.
Genomic context (GRCh38, chr17:19,651,721, plus strand): 5'-ACCATGCTGGATGAGGCCTATATTCAGCCACAGCCTCTGGGAGTGGTGCTGATAATCGGA[G>A]CTTGGAATTACCCCTTCGTTCTCACCATTCAGCCACTGATAGGAGCCATCGCTGCAGGTC-3'
Protein context (NP_000373.1, residues 100-120): QPLGVVLIIG[Ala110Thr]WNYPFVLTIQ

ClinVar aggregate classification (germline): Uncertain significance. Review status: criteria provided, multiple submitters, no conflicts (2 of 4 stars). 3 submissions from 3 submitters: Uncertain significance (3). Last evaluated 2022-11-22.

Conditions:
Inborn genetic diseases. Identifiers: MedGen C0950123, MeSH D030342.

Allele frequency attached by ClinVar (database versions not stated): gnomAD exomes 0.00002; gnomAD 0.00003; ExAC 0.00005; TOPMed 0.00006; ESP Exome Variant Server 0.00008.
gnomAD v4.1: 42 of 1,614,086 alleles (0.0026%); highest among the groups gnomAD compares: Middle Eastern, 0.016%; no homozygotes.

Submissions (3):

Blueprint Genetics
Classification: Uncertain significance. Last evaluated: 2022-11-22. Review status: criteria provided, single submitter. Criteria: ACMG Guidelines, 2015. Collection method: clinical testing. Allele origin: germline.

Labcorp Genetics (formerly Invitae), Labcorp
Classification: Uncertain significance. Last evaluated: 2022-08-21. Review status: criteria provided, single submitter. Criteria: Invitae Variant Classification Sherloc (09022015). Collection method: clinical testing. Allele origin: germline.
Comment: This sequence change replaces alanine, which is neutral and non-polar, with threonine, which is neutral and polar, at codon 110 of the ALDH3A2 protein (p.Ala110Thr). This variant is present in population databases (rs144287421, gnomAD 0.007%). This variant has not been reported in the literature in individuals affected with ALDH3A2-related conditions. Algorithms developed to predict the effect of missense changes on protein structure and function (SIFT, PolyPhen-2, Align-GVGD) all suggest that this variant is likely to be tolerated. In summary, the available evidence is currently insufficient to determine the role of this variant in disease. Therefore, it has been classified as a Variant of Uncertain Significance.

Ambry Genetics
Classification: Uncertain significance for Inborn genetic diseases. Last evaluated: 2022-03-23. Review status: criteria provided, single submitter. Criteria: Ambry Variant Classification Scheme 2023. Collection method: clinical testing. Allele origin: germline.